The following is an entry in ClinVar:

ClinVar aggregate classification (germline): Uncertain significance. Review status: criteria provided, multiple submitters, no conflicts (2 of 4 stars). 2 submissions from 2 submitters: Uncertain significance (2). Last evaluated 2025-05-16.

Conditions:
Inborn genetic diseases. Identifiers: MedGen C0950123, MeSH D030342.

Allele frequency attached by ClinVar (database versions not stated): ExAC 0.00001; gnomAD 0.00001; gnomAD exomes 0.00003; TOPMed 0.00003.

Submissions (2):

Ambry Genetics
Classification: Uncertain significance for Inborn genetic diseases. Last evaluated: 2025-05-16. Review status: criteria provided, single submitter. Criteria: Ambry Variant Classification Scheme 2023. Collection method: clinical testing. Allele origin: germline.

Labcorp Genetics (formerly Invitae), Labcorp
Classification: Uncertain significance. Last evaluated: 2024-08-05. Review status: criteria provided, single submitter. Criteria: Invitae Variant Classification Sherloc (09022015). Collection method: clinical testing. Allele origin: germline.
Comment: This sequence change replaces alanine, which is neutral and non-polar, with valine, which is neutral and non-polar, at codon 254 of the XYLT2 protein (p.Ala254Val). This variant is present in population databases (rs779679769, gnomAD 0.02%). This variant has not been reported in the literature in individuals affected with XYLT2-related conditions. ClinVar contains an entry for this variant (Variation ID: 1517755). Advanced modeling of protein sequence and biophysical properties (such as structural, functional, and spatial information, amino acid conservation, physicochemical variation, residue mobility, and thermodynamic stability) performed at Invitae indicates that this missense variant is not expected to disrupt XYLT2 protein function with a negative predictive value of 80%. In summary, the available evidence is currently insufficient to determine the role of this variant in disease. Therefore, it has been classified as a Variant of Uncertain Significance.

NM_022167.4(XYLT2):c.761C>T (p.Ala254Val)

Gene: XYLT2 (xylosyltransferase 2; plus strand). Cytogenetic location: 17q21.33.
Variant type: single nucleotide variant.
Coding change: c.761C>T on transcript NM_022167.4 (MANE Select); coding-DNA position 761, C replaced by T.
Protein change: p.Ala254Val; replaces alanine 254 with valine.
Molecular consequence: missense variant.
Genome position (GRCh38, 1-based): chr17:50,354,540, C>T. VCF-style: chr17-50354540-C-T. GRCh37 (hg19) VCF-style: chr17-48431901-C-T.
Other names: short protein forms A254V.
Identifiers: ClinVar variation 1517755 (VCV001517755.6), dbSNP rs779679769, ClinGen allele CA8646251.